The following is an entry in ClinVar:

NM_001204.7(BMPR2):c.1217T>G (p.Met406Arg)

Gene: BMPR2 (bone morphogenetic protein receptor type 2; plus strand). Cytogenetic location: 2q33.2.
Variant type: single nucleotide variant.
Coding change: c.1217T>G on transcript NM_001204.7 (MANE Select); coding-DNA position 1217, T replaced by G.
Protein change: p.Met406Arg; replaces methionine 406 with arginine.
Molecular consequence: missense variant.
Genome position (GRCh38, 1-based): chr2:202,532,673, T>G. VCF-style: chr2-202532673-T-G. GRCh37 (hg19) VCF-style: chr2-203397396-T-G.
Other names: NM_001204.7(BMPR2):c.1217T>G; p.Met406Arg; short protein forms M406R.
Identifiers: ClinVar variation 812826 (VCV000812826.4), dbSNP rs1247070046, ClinGen allele CA350341879.

ClinVar aggregate classification (germline): Likely pathogenic. Review status: reviewed by expert panel (3 of 4 stars). 2 submissions from 2 submitters: Likely pathogenic (1). 1 of the submissions does not count toward it. Last evaluated 2026-04-09.

Conditions:
Pulmonary arterial hypertension. Identifiers: Orphanet 182090, MedGen C2973725, MeSH D000081029, MONDO:0015924, HP:0002092.

Submissions (2):

Clingen Pulmonary Hypertension Variant Curation Expert Panel, ClinGen
Classification: Likely pathogenic for Pulmonary arterial hypertension. Last evaluated: 2026-04-09. Review status: reviewed by expert panel. Criteria: ClinGen PH ACMG Specifications BMPR2 V2.0.0. Collection method: curation. Allele origin: germline. Inheritance: Autosomal dominant inheritance.
Comment: The c.1217T>G (p.Met406Arg) variant is a missense variant located in exon 9 of the BMPR2 gene, predicted to cause substitution of methionine to arginine encoding the functionally relevant catalytic kinase domain but without functional evidence indicating a critical or non-critical amino acid residue (PM1_moderate). This variant is absent from gnomAD v2.1.1 and v4.1 (PM2_supporting). BMPR2 has a low rate of benign missense variation and missense variants are a common mechanism of pulmonary hypertension (PP2). The REVEL prediction algorithm score is 0.96 and AlphaMissense is 0.9818 indicating pathogenicity (PP3_supporting). The variant has been reported in four studies based on 2 unrelated probands (PMIDs: 29650961, 33066286, 32581362, and 27537724) (PS4_supporting). PS2 was not assessed due to lack of paternity data. Functional studies have not been conducted for this variant (PS3 not assessed). In summary, this variant meets the criteria to be classified as a likely pathogenic for pulmonary arterial hypertension based on the ACMG/AMP criteria applied, as specified by the ClinGen Pulmonary Hypertension VCEP: PM1_moderate, PM2_supporting, PP2, PP3_supporting, PS4_supporting (VCEP specification version 2.0, 1/30/2026).

NIHR Bioresource Rare Diseases, University of Cambridge
Classification: Likely pathogenic for Pulmonary arterial hypertension. Review status: no assertion criteria provided. Collection method: research. Allele origin: unknown. Affected: yes. Observed: 1 variant allele. Not counted in ClinVar's aggregate classification.

Literature cited by the submitters: PubMed 32581362 (cited by NIHR Bioresource Rare Diseases, University of Cambridge).